The following is an entry in ClinVar:

NM_000465.4(BARD1):c.640A>G (p.Ile214Val)

Gene: BARD1 (BRCA1 associated RING domain 1; minus strand). Cytogenetic location: 2q35.
Variant type: single nucleotide variant.
Coding change: c.640A>G on transcript NM_000465.4 (MANE Select); coding-DNA position 640, A replaced by G.
Protein change: p.Ile214Val; replaces isoleucine 214 with valine.
Molecular consequence: missense variant. On other transcripts: non-coding transcript variant (2), intron variant (3).
Genome position (GRCh38, 1-based): chr2:214,781,234, T>C on the plus strand (A>G on the coding strand, the complement: BARD1 is on the minus strand). VCF-style: chr2-214781234-T-C. GRCh37 (hg19) VCF-style: chr2-215645958-T-C.
Other names: c.583A>G, p.Ile195Val (NM_001282543.2); c.158+28178A>G (NM_001282548.2); c.215+15827A>G (NM_001282545.2); c.364+11063A>G (NM_001282549.2); c.640A>G (NM_000465.2); short protein forms I214V, I195V.
Identifiers: ClinVar variation 630062 (VCV000630062.12), dbSNP rs1351507623, ClinGen allele CA350456621.

ClinVar aggregate classification (germline): Uncertain significance. Review status: criteria provided, multiple submitters, no conflicts (2 of 4 stars). 3 submissions from 3 submitters: Uncertain significance (3). Last evaluated 2026-01-07.

Conditions:
Familial cancer of breast. Also called: BREAST CANCER, FAMILIAL; Hereditary breast cancer; hereditary breast carcinoma. Identifiers: Orphanet 227535, MedGen C0346153, MONDO:0016419, OMIM 114480. Disease mechanism: loss of function.
Hereditary cancer-predisposing syndrome. Also called: Neoplastic Syndromes, Hereditary; Tumor predisposition; Hereditary neoplastic syndrome; Hereditary Cancer Syndrome. Identifiers: Orphanet 140162, MedGen C0027672, MeSH D009386, MONDO:0015356.

Allele frequency attached by ClinVar (database versions not stated): gnomAD exomes below 0.00001.

Submissions (3):

Labcorp Genetics (formerly Invitae), Labcorp
Classification: Uncertain significance for Familial cancer of breast. Last evaluated: 2026-01-07. Review status: criteria provided, single submitter. Criteria: Invitae Variant Classification Sherloc (09022015). Collection method: clinical testing. Allele origin: germline.
Comment: This sequence change replaces isoleucine, which is neutral and non-polar, with valine, which is neutral and non-polar, at codon 214 of the BARD1 protein (p.Ile214Val). The frequency data for this variant in the population databases is considered unreliable, as metrics indicate poor data quality at this position in the gnomAD database. This variant has not been reported in the literature in individuals affected with BARD1-related conditions. ClinVar contains an entry for this variant (Variation ID: 630062). An algorithm developed to predict the effect of missense changes on protein structure and function outputs the following: PolyPhen-2: "Benign". The valine amino acid residue is found in multiple mammalian species, which suggests that this missense change does not adversely affect protein function. In summary, the available evidence is currently insufficient to determine the role of this variant in disease. Therefore, it has been classified as a Variant of Uncertain Significance.

Color Diagnostics, LLC DBA Color Health
Classification: Uncertain significance for Hereditary cancer-predisposing syndrome. Last evaluated: 2023-12-05. Review status: criteria provided, single submitter. Criteria: ACMG Guidelines, 2015. Collection method: clinical testing. Allele origin: germline.
Comment: This missense variant replaces isoleucine with valine at codon 214 of the BARD1 protein. Computational prediction suggests that this variant may not impact protein structure and function (internally defined REVEL score threshold <= 0.5, PMID: 27666373). To our knowledge, functional studies have not been reported for this variant. This variant has not been reported in individuals affected with BARD1-related disorders in the literature. This variant has been identified in 1/232844 chromosomes in the general population by the Genome Aggregation Database (gnomAD). The available evidence is insufficient to determine the role of this variant in disease conclusively. Therefore, this variant is classified as a Variant of Uncertain Significance.

Ambry Genetics
Classification: Uncertain significance for Hereditary cancer-predisposing syndrome. Last evaluated: 2023-05-19. Review status: criteria provided, single submitter. Criteria: Ambry Variant Classification Scheme 2023. Collection method: clinical testing. Allele origin: germline.
Comment: The p.I214V variant (also known as c.640A>G), located in coding exon 4 of the BARD1 gene, results from an A to G substitution at nucleotide position 640. The isoleucine at codon 214 is replaced by valine, an amino acid with highly similar properties. This amino acid position is conserved. In addition, this alteration is predicted to be tolerated by in silico analysis. Since supporting evidence is limited at this time, the clinical significance of this alteration remains unclear.